The following is an entry in ClinVar:

ClinVar aggregate classification (germline): Uncertain significance (1 of 4 stars; one submission).

Submission:

Dasa
Classification: Uncertain significance. Last evaluated: 2025-07-28. Review status: criteria provided, single submitter. Criteria: DASA Assertion Criteria. Collection method: clinical testing. Allele origin: germline.
Comment: NM_003718.5(CDK13):c.2017C>G (p.Gln673Glu) is a missense variant that results in the substitution of glutamine with glutamic acid. This variant is absent from population databases. Computational prediction algorithms are consistent with a benign effect. The currently available literature and clinical evidence are not sufficient to establish a definitive association between this variant and the reported condition. Therefore, this variant is classified as a variant of uncertain significance.

NM_003718.5(CDK13):c.2017C>G (p.Gln673Glu)

Gene: CDK13 (cyclin dependent kinase 13; plus strand). Cytogenetic location: 7p14.1.
Variant type: single nucleotide variant.
Coding change: c.2017C>G on transcript NM_003718.5 (MANE Select); coding-DNA position 2017, C replaced by G.
Protein change: p.Gln673Glu; replaces glutamine 673 with glutamic acid.
Molecular consequence: missense variant.
Genome position (GRCh38, 1-based): chr7:39,997,639, C>G. VCF-style: chr7-39997639-C-G. GRCh37 (hg19) VCF-style: chr7-40037238-C-G.
Other names: c.2017C>G, p.Gln673Glu (NM_031267.4); short protein forms Q673E.
Identifiers: ClinVar variation 4881332 (VCV004881332.2).